The following is an entry in ClinVar:

NM_015189.3(EXOC6B):c.2141C>T (p.Pro714Leu)

Gene: EXOC6B (exocyst complex component 6B; minus strand). Cytogenetic location: 2p13.2.
Variant type: single nucleotide variant.
Coding change: c.2141C>T on transcript NM_015189.3 (MANE Select); coding-DNA position 2141, C replaced by T.
Protein change: p.Pro714Leu; replaces proline 714 with leucine.
Molecular consequence: missense variant. On other transcripts: non-coding transcript variant (1).
Genome position (GRCh38, 1-based): chr2:72,335,002, G>A on the plus strand (C>T on the coding strand, the complement: EXOC6B is on the minus strand). VCF-style: chr2-72335002-G-A. GRCh37 (hg19) VCF-style: chr2-72562131-G-A.
Other names: c.2141C>T, p.Pro714Leu (NM_001321729.2, NM_001321731.2); c.2006C>T, p.Pro669Leu (NM_001321730.2, NM_001321733.2); c.1802C>T, p.Pro601Leu (NM_001321734.2); short protein forms P714L, P601L, P669L.
Identifiers: ClinVar variation 1424485 (VCV001424485.5), dbSNP rs775955093, ClinGen allele CA50044491.

ClinVar aggregate classification (germline): Uncertain significance (1 of 4 stars; one submission).

Allele frequency attached by ClinVar (database versions not stated): gnomAD exomes below 0.00001 and 0.00001.
gnomAD v4.1: 10 of 1,613,296 alleles (0.00062%); highest among the groups gnomAD compares: Non-Finnish European, 0.00085%; no homozygotes.

Submission:

Labcorp Genetics (formerly Invitae), Labcorp
Classification: Uncertain significance. Last evaluated: 2022-07-12. Review status: criteria provided, single submitter. Criteria: Invitae Variant Classification Sherloc (09022015). Collection method: clinical testing. Allele origin: germline.
Comment: This sequence change replaces proline, which is neutral and non-polar, with leucine, which is neutral and non-polar, at codon 714 of the EXOC6B protein (p.Pro714Leu). This variant is present in population databases (rs775955093, gnomAD 0.0009%). This variant has not been reported in the literature in individuals affected with EXOC6B-related conditions. ClinVar contains an entry for this variant (Variation ID: 1424485). Experimental studies and prediction algorithms are not available or were not evaluated, and the functional significance of this variant is currently unknown. In summary, the available evidence is currently insufficient to determine the role of this variant in disease. Therefore, it has been classified as a Variant of Uncertain Significance.